The following is an entry in ClinVar:

NM_001277115.2(DNAH11):c.495+2T>C

Gene: DNAH11 (dynein axonemal heavy chain 11; plus strand). Cytogenetic location: 7p15.3.
Variant type: single nucleotide variant.
Coding change: c.495+2T>C on transcript NM_001277115.2 (MANE Select); the canonical splice donor site of the intron after coding-DNA position 495, T replaced by C.
Molecular consequence: splice donor variant.
Genome position (GRCh38, 1-based): chr7:21,545,151, T>C. VCF-style: chr7-21545151-T-C. GRCh37 (hg19) VCF-style: chr7-21584769-T-C.
Other names: NM_001277115.2:c.495+2T>C.
Identifiers: ClinVar variation 3776905 (VCV003776905.1).

ClinVar aggregate classification (germline): Uncertain significance (1 of 4 stars; one submission).

Conditions:
Primary ciliary dyskinesia 7. Also called: CILIARY DYSKINESIA, PRIMARY, 7, WITH OR WITHOUT SITUS INVERSUS. Identifiers: Orphanet 244, MedGen C2678473, MONDO:0012748, OMIM 611884.

gnomAD v4.1: 1 of 1,606,880 alleles (0.000062%); highest among the groups gnomAD compares: African/African-American, 0.0013%; no homozygotes.

Submission:

Broad Center for Mendelian Genomics, Broad Institute of MIT and Harvard
Classification: Uncertain significance for Primary ciliary dyskinesia 7. Last evaluated: 2025-02-10. Review status: criteria provided, single submitter. Criteria: ACMG Guidelines, 2015. Collection method: curation. Allele origin: germline. Inheritance: Autosomal recessive inheritance.
Comment: The c.495+2T>C variant in DNAH11 has been reported, in the compound heterozygous state, in 1 individual with primary ciliary dyskinesia (PMID: 34210339), and has been identified in 0.001% (1/74684) of African/African American chromosomes by the Genome Aggregation Database (gnomAD; dbSNP rs1782756658). Although this variant has been seen in the general population in a heterozygous state, its frequency is low enough to be consistent with a recessive carrier frequency. This variant is located in the 3' splice region. Computational tools predict a splicing impact, though this information is not predictive enough to determine pathogenicity. This variant is adjacent to an in-frame exon and is more likely to escape nonsense mediated decay (NMD) and result in a truncated protein. Loss of function of the DNAH11 gene is an established disease mechanism in autosomal recessive primary ciliary dyskinesia. In summary, the clinical significance of the c.495+2T>C variant is uncertain. ACMG/AMP Criteria applied: PVS1_moderate, PM2_supporting, PM3_supporting (Richards 2015).